The following is an entry in ClinVar:

ClinVar aggregate classification (germline): Benign. Review status: criteria provided, single submitter (1 of 4 stars). 2 submissions from 2 submitters: Benign (1). 1 of the submissions does not count toward it. Last evaluated 2024-04-15.

Conditions:
VMA21-related disorder. Also called: VMA21-related condition.
X-linked myopathy with excessive autophagy (AVM). Also called: Vacuolar myopathy; Autophagic vacuolar myopathy. Identifiers: Orphanet 25980, MedGen C1839615, MONDO:0010684, OMIM 310440.

Allele frequency attached by ClinVar (database versions not stated): ExAC 0.00001; gnomAD 0.00001; gnomAD exomes 0.00002 and 0.00008; TOPMed 0.00002.
gnomAD v4.1: 17 of 1,209,153 alleles (0.0014%); highest among the groups gnomAD compares: Admixed American, 0.033%; no homozygotes.

Submissions (2):

Labcorp Genetics (formerly Invitae), Labcorp
Classification: Benign for X-linked myopathy with excessive autophagy. Last evaluated: 2024-04-15. Review status: criteria provided, single submitter. Criteria: Invitae Variant Classification Sherloc (09022015). Collection method: clinical testing. Allele origin: germline.

PreventionGenetics, part of Exact Sciences
Classification: Likely benign for VMA21-related condition. Last evaluated: 2020-01-28. Review status: no assertion criteria provided. Collection method: clinical testing. Allele origin: germline. Not counted in ClinVar's aggregate classification.
Comment: This variant is classified as likely benign based on ACMG/AMP sequence variant interpretation guidelines (Richards et al. 2015 PMID: 25741868, with internal and published modifications).

NM_001017980.4(VMA21):c.252G>A (p.Val84=)

Gene: VMA21 (vacuolar ATPase assembly factor VMA21; plus strand). Cytogenetic location: Xq28.
Variant type: single nucleotide variant.
Coding change: c.252G>A on transcript NM_001017980.4 (MANE Select); coding-DNA position 252, G replaced by A.
Protein change: p.Val84=; no amino-acid change (valine 84 retained).
Molecular consequence: synonymous variant.
Genome position (GRCh38, 1-based): chrX:151,405,004, G>A. VCF-style: chrX-151405004-G-A. GRCh37 (hg19) VCF-style: chrX-150573476-G-A.
Other names: c.417G>A, p.Val139= (NM_001363810.1); c.252G>A (NM_001017980.3).
Identifiers: ClinVar variation 1166210 (VCV001166210.12), dbSNP rs748982102, ClinGen allele CA10540592.